The following is an entry in ClinVar:

NM_004793.4(LONP1):c.2122G>A (p.Gly708Ser)

Gene: LONP1 (lon peptidase 1, mitochondrial; minus strand). Cytogenetic location: 19p13.3.
Variant type: single nucleotide variant.
Coding change: c.2122G>A on transcript NM_004793.4 (MANE Select); coding-DNA position 2122, G replaced by A.
Protein change: p.Gly708Ser; replaces glycine 708 with serine.
Molecular consequence: missense variant. On other transcripts: non-coding transcript variant (1).
Genome position (GRCh38, 1-based): chr19:5,694,793, C>T on the plus strand (G>A on the coding strand, the complement: LONP1 is on the minus strand). VCF-style: chr19-5694793-C-T. GRCh37 (hg19) VCF-style: chr19-5694804-C-T.
Other names: c.1930G>A, p.Gly644Ser (NM_001276479.2); c.1534G>A, p.Gly512Ser (NM_001276480.1); short protein forms G512S, G644S, G708S.
Identifiers: ClinVar variation 4540021 (VCV004540021.3).

ClinVar aggregate classification (germline): Uncertain significance. Review status: criteria provided, multiple submitters, no conflicts (2 of 4 stars). 2 submissions from 2 submitters: Uncertain significance (2). Last evaluated 2026-01-08.

Conditions:
LONP1-related disorder. Also called: LONP1-related disorders; LONP1-related condition.

gnomAD v4.1: 12 of 1,593,806 alleles (0.00075%); highest among the groups gnomAD compares: Non-Finnish European, 0.00086%; no homozygotes.

Submissions (2):

GeneDx
Classification: Uncertain significance. Last evaluated: 2026-01-08. Review status: criteria provided, single submitter. Criteria: GeneDx Variant Classification Process June 2021. Collection method: clinical testing. Allele origin: germline.
Comment: Not observed at significant frequency in large population cohorts (gnomAD); In silico analysis supports that this missense variant has a deleterious effect on protein structure/function; This variant is associated with the following publications: (PMID: 34547244)

PreventionGenetics, part of Exact Sciences
Classification: Uncertain significance for LONP1-related condition. Last evaluated: 2025-12-19. Review status: criteria provided, single submitter. Criteria: ACMG Guidelines, 2015. Collection method: clinical testing. Allele origin: germline.
Comment: The LONP1 c.2122G>A variant is predicted to result in the amino acid substitution p.Gly708Ser. This variant has been reported in the heterozygous state in at least two presumed unrelated individuals with congenital diaphragmatic hernia; in both cases the variant was inherited (Table S10, Qiao et al. 2021. PubMed ID: 34547244). This variant is absent in a large population database (gnomAD), indicating this variant is rare. At this time, the clinical significance of this variant is uncertain due to the absence of conclusive functional and genetic evidence.